The following is an entry in ClinVar:

NM_030665.4(RAI1):c.4429C>T (p.Pro1477Ser)

Gene: RAI1 (retinoic acid induced 1; plus strand). Cytogenetic location: 17p11.2.
Variant type: single nucleotide variant.
Coding change: c.4429C>T on transcript NM_030665.4 (MANE Select); coding-DNA position 4429, C replaced by T.
Protein change: p.Pro1477Ser; replaces proline 1477 with serine.
Molecular consequence: missense variant.
Genome position (GRCh38, 1-based): chr17:17,797,377, C>T. VCF-style: chr17-17797377-C-T. GRCh37 (hg19) VCF-style: chr17-17700691-C-T.
Other names: short protein forms P1477S.
Identifiers: ClinVar variation 2732115 (VCV002732115.3), dbSNP rs763769196, ClinGen allele CA8418961.

ClinVar aggregate classification (germline): Uncertain significance (1 of 4 stars; one submission).

Allele frequency attached by ClinVar (database versions not stated): gnomAD exomes below 0.00001; ExAC 0.00001.
gnomAD v4.1: 3 of 1,612,790 alleles (0.00019%); highest among the groups gnomAD compares: South Asian, 0.0022%; no homozygotes.

Submission:

Labcorp Genetics (formerly Invitae), Labcorp
Classification: Uncertain significance. Last evaluated: 2023-03-26. Review status: criteria provided, single submitter. Criteria: Invitae Variant Classification Sherloc (09022015). Collection method: clinical testing. Allele origin: germline.
Comment: This variant is present in population databases (rs763769196, gnomAD 0.006%). This sequence change replaces proline, which is neutral and non-polar, with serine, which is neutral and polar, at codon 1477 of the RAI1 protein (p.Pro1477Ser). In summary, the available evidence is currently insufficient to determine the role of this variant in disease. Therefore, it has been classified as a Variant of Uncertain Significance. Advanced modeling of protein sequence and biophysical properties (such as structural, functional, and spatial information, amino acid conservation, physicochemical variation, residue mobility, and thermodynamic stability) performed at Invitae indicates that this missense variant is not expected to disrupt RAI1 protein function. This variant has not been reported in the literature in individuals affected with RAI1-related conditions.